The following is an entry in ClinVar:

NM_024675.4(PALB2):c.1346A>T (p.Lys449Ile)

Gene: PALB2 (partner and localizer of BRCA2; minus strand). Cytogenetic location: 16p12.2.
Variant type: single nucleotide variant.
Coding change: c.1346A>T on transcript NM_024675.4 (MANE Select); coding-DNA position 1346, A replaced by T.
Protein change: p.Lys449Ile; replaces lysine 449 with isoleucine.
Molecular consequence: missense variant.
Genome position (GRCh38, 1-based): chr16:23,635,200, T>A on the plus strand (A>T on the coding strand, the complement: PALB2 is on the minus strand). VCF-style: chr16-23635200-T-A. GRCh37 (hg19) VCF-style: chr16-23646521-T-A.
Other names: short protein forms K449I.
Identifiers: ClinVar variation 231429 (VCV000231429.7), dbSNP rs876659152, ClinGen allele CA10580013.

ClinVar aggregate classification (germline): Uncertain significance. Review status: criteria provided, multiple submitters, no conflicts (2 of 4 stars). 2 submissions from 2 submitters: Uncertain significance (2). Last evaluated 2024-11-26.

Conditions:
Hereditary cancer-predisposing syndrome. Also called: Neoplastic Syndromes, Hereditary; Tumor predisposition; Hereditary Cancer Syndrome; Hereditary neoplastic syndrome. Identifiers: Orphanet 140162, MedGen C0027672, MeSH D009386, MONDO:0015356.
Familial cancer of breast. Also called: BREAST CANCER, FAMILIAL; hereditary breast carcinoma; Hereditary breast cancer. Identifiers: Orphanet 227535, MedGen C0346153, MONDO:0016419, OMIM 114480. Disease mechanism: loss of function.

Submissions (2):

Labcorp Genetics (formerly Invitae), Labcorp
Classification: Uncertain significance for Familial cancer of breast. Last evaluated: 2024-11-26. Review status: criteria provided, single submitter. Criteria: Invitae Variant Classification Sherloc (09022015). Collection method: clinical testing. Allele origin: germline.
Comment: This sequence change replaces lysine, which is basic and polar, with isoleucine, which is neutral and non-polar, at codon 449 of the PALB2 protein (p.Lys449Ile). This variant is not present in population databases (gnomAD no frequency). This variant has not been reported in the literature in individuals affected with PALB2-related conditions. ClinVar contains an entry for this variant (Variation ID: 231429). Invitae Evidence Modeling of protein sequence and biophysical properties (such as structural, functional, and spatial information, amino acid conservation, physicochemical variation, residue mobility, and thermodynamic stability) has been performed for this missense variant. However, the output from this modeling did not meet the statistical confidence thresholds required to predict the impact of this variant on PALB2 protein function. In summary, the available evidence is currently insufficient to determine the role of this variant in disease. Therefore, it has been classified as a Variant of Uncertain Significance.

Ambry Genetics
Classification: Uncertain significance for Hereditary cancer-predisposing syndrome. Last evaluated: 2015-04-30. Review status: criteria provided, single submitter. Criteria: Ambry Variant Classification Scheme 2023. Collection method: clinical testing. Allele origin: germline.
Comment: The p.K449I variant (also known as c.1346A>T), located in coding exon 4 of the PALB2 gene, results from an A to T substitution at nucleotide position 1346. The lysine at codon 449 is replaced by isoleucine, an amino acid with dissimilar properties. This variant was not reported in population based cohorts in the following databases: Database of Single Nucleotide Polymorphisms (dbSNP), NHLBI Exome Sequencing Project (ESP), and 1000 Genomes Project. In the ESP, this variant was not observed in 6496 samples (12992 alleles) with coverage at this position. To date, this alteration has been detected with an allele frequency of approximately 0.001% (greater than 70000 alleles tested) in our clinical cohort. This amino acid position is not well conserved in available vertebrate species. In addition, this alteration is predicted to be tolerated by in silico analysis. Since supporting evidence is limited at this time, the clinical significance of p.K449I remains unclear.